The following is an entry in ClinVar:

NM_020686.6(ABAT):c.*2074A>C

Gene: ABAT (4-aminobutyrate aminotransferase; plus strand). Cytogenetic location: 16p13.2.
Variant type: single nucleotide variant.
Coding change: c.*2074A>C on transcript NM_020686.6 (MANE Select); 2074 bases downstream of the stop codon, A replaced by C.
Molecular consequence: 3 prime UTR variant.
Genome position (GRCh38, 1-based): chr16:8,783,504, A>C. VCF-style: chr16-8783504-A-C. GRCh37 (hg19) VCF-style: chr16-8877361-A-C.
Other names: c.*2074A>C (NM_000663.5, NM_001127448.2, NM_001386600.1 and 14 more transcripts); c.*2088A>C (NM_001386609.1, NM_001386616.1).
Identifiers: ClinVar variation 321138 (VCV000321138.5), dbSNP rs191157077, ClinGen allele CA10649117.

ClinVar aggregate classification (germline): Likely benign (1 of 4 stars; one submission).

Conditions:
Gamma-aminobutyric acid transaminase deficiency (GABATD). Also called: GABA aminotransaminase deficiency; GABA transaminase deficiency; Gamma aminobutyrate transaminase deficiency; 4 alpha aminobutyrate transaminase deficiency. Identifiers: Orphanet 2066, MedGen C0342708, MONDO:0013166, OMIM 613163.

Allele frequency attached by ClinVar (database versions not stated): gnomAD 0.00006 and 0.00008; TOPMed 0.00009; 1000 Genomes Project 0.00040; 1000 Genomes Project 30x 0.00047.
gnomAD v4.1: 12 of 152,412 alleles (0.0079%); highest among the groups gnomAD compares: Admixed American, 0.033%; no homozygotes.

Submission:

Illumina Laboratory Services, Illumina
Classification: Likely benign for Gamma-aminobutyric acid transaminase deficiency. Last evaluated: 2018-01-12. Review status: criteria provided, single submitter. Criteria: ICSL Variant Classification Criteria 13 December 2019. Collection method: clinical testing. Allele origin: germline.
Comment: This variant was observed in the ICSL laboratory as part of a predisposition screen in an ostensibly healthy population. It had not been previously curated by ICSL or reported in the Human Gene Mutation Database (HGMD: prior to June 1st, 2018), and was therefore a candidate for classification through an automated scoring system. Utilizing variant allele frequency, disease prevalence and penetrance estimates, and inheritance mode, an automated score was calculated to assess if this variant is too frequent to cause the disease. Based on the score and internal cut-off values, a variant classified as likely benign is not then subjected to further curation. The score for this variant resulted in a classification of likely benign for this disease.